The following is an entry in ClinVar:

ClinVar aggregate classification (germline): Uncertain significance (1 of 4 stars; one submission).

Submission:

Labcorp Genetics (formerly Invitae), Labcorp
Classification: Uncertain significance. Last evaluated: 2025-09-10. Review status: criteria provided, single submitter. Criteria: Invitae Variant Classification Sherloc (09022015). Collection method: clinical testing. Allele origin: germline.
Comment: This sequence change replaces proline, which is neutral and non-polar, with serine, which is neutral and polar, at codon 1094 of the JAK1 protein (p.Pro1094Ser). This variant is not present in population databases (gnomAD no frequency). This variant has not been reported in the literature in individuals affected with JAK1-related conditions. Invitae Evidence Modeling of protein sequence and biophysical properties (such as structural, functional, and spatial information, amino acid conservation, physicochemical variation, residue mobility, and thermodynamic stability) indicates that this missense variant is not expected to disrupt JAK1 protein function with a negative predictive value of 80%. In summary, the available evidence is currently insufficient to determine the role of this variant in disease. Therefore, it has been classified as a Variant of Uncertain Significance.

NM_002227.4(JAK1):c.3280C>T (p.Pro1094Ser)

Gene: JAK1 (Janus kinase 1; minus strand). Cytogenetic location: 1p31.3.
Variant type: single nucleotide variant.
Coding change: c.3280C>T on transcript NM_002227.4 (MANE Select); coding-DNA position 3280, C replaced by T.
Protein change: p.Pro1094Ser; replaces proline 1094 with serine.
Molecular consequence: missense variant.
Genome position (GRCh38, 1-based): chr1:64,835,485, G>A on the plus strand (C>T on the coding strand, the complement: JAK1 is on the minus strand). VCF-style: chr1-64835485-G-A. GRCh37 (hg19) VCF-style: chr1-65301168-G-A.
Other names: c.3280C>T, p.Pro1094Ser (NM_001320923.2, NM_001321852.2, NM_001321853.2 and 3 more transcripts); c.3277C>T, p.Pro1093Ser (NM_001321857.2); short protein forms P1093S, P1094S.
Identifiers: ClinVar variation 4742210 (VCV004742210.1).